The following is an entry in ClinVar:

NM_001134407.3(GRIN2A):c.2325C>T (p.Ile775=)

Gene: GRIN2A (glutamate ionotropic receptor NMDA type subunit 2A; minus strand). Cytogenetic location: 16p13.2.
Variant type: single nucleotide variant.
Coding change: c.2325C>T on transcript NM_001134407.3 (MANE Select); coding-DNA position 2325, C replaced by T.
Protein change: p.Ile775=; no amino-acid change (isoleucine 775 retained).
Molecular consequence: synonymous variant.
Genome position (GRCh38, 1-based): chr16:9,798,308, G>A on the plus strand (C>T on the coding strand, the complement: GRIN2A is on the minus strand). VCF-style: chr16-9798308-G-A. GRCh37 (hg19) VCF-style: chr16-9892165-G-A.
Other names: c.2325C>T, p.Ile775= (NM_000833.5, NM_001134408.2).
Identifiers: ClinVar variation 377941 (VCV000377941.13), dbSNP rs748291723, ClinGen allele CA7896543.

ClinVar aggregate classification (germline): Benign/Likely benign. Review status: criteria provided, multiple submitters, no conflicts (2 of 4 stars). 3 submissions from 3 submitters: Benign (1); Likely benign (2). Last evaluated 2025-12-13.

Conditions:
Inborn genetic diseases. Identifiers: MedGen C0950123, MeSH D030342.
Landau-Kleffner syndrome (FESD). Also called: EPILEPSY, FOCAL, WITH SPEECH DISORDER AND WITH OR WITHOUT MENTAL RETARDATION; APHASIA, ACQUIRED, WITH EPILEPSY. Identifiers: Orphanet 1945, Orphanet 725, Orphanet 98818, MedGen C0282512, MONDO:0009509, OMIM 245570.

Allele frequency attached by ClinVar (database versions not stated): TOPMed 0.00002.

Submissions (3):

Labcorp Genetics (formerly Invitae), Labcorp
Classification: Likely benign for Landau-Kleffner syndrome. Last evaluated: 2025-12-13. Review status: criteria provided, single submitter. Criteria: Invitae Variant Classification Sherloc (09022015). Collection method: clinical testing. Allele origin: germline.

Ambry Genetics
Classification: Likely benign for Inborn genetic diseases. Last evaluated: 2025-03-31. Review status: criteria provided, single submitter. Criteria: Ambry Variant Classification Scheme 2023. Collection method: clinical testing. Allele origin: germline.

GeneDx
Classification: Benign. Last evaluated: 2015-04-12. Review status: criteria provided, single submitter. Criteria: GeneDx Variant Classification (06012015). Collection method: clinical testing. Allele origin: germline. Affected: yes.
Comment: This variant is considered likely benign or benign based on one or more of the following criteria: it is a conservative change, it occurs at a poorly conserved position in the protein, it is predicted to be benign by multiple in silico algorithms, and/or has population frequency not consistent with disease.